The following is an entry in ClinVar:

ClinVar aggregate classification (germline): Likely benign. Review status: criteria provided, multiple submitters, no conflicts (2 of 4 stars). 5 submissions from 5 submitters: Likely benign (3). 2 of the submissions do not count toward it. Last evaluated 2025-11-15.

Conditions:
NDUFS1-related disorder. Also called: NDUFS1-related condition.

Allele frequency attached by ClinVar (database versions not stated): gnomAD exomes 0.00004 and 0.00009; ExAC 0.00008; ESP Exome Variant Server 0.00031; gnomAD 0.00044 and 0.00048; TOPMed 0.00050; 1000 Genomes Project 30x 0.00078; 1000 Genomes Project 0.00080.
gnomAD v4.1: 124 of 1,609,396 alleles (0.0077%); highest among the groups gnomAD compares: African/African-American, 0.15%; no homozygotes.

Submissions (5):

Labcorp Genetics (formerly Invitae), Labcorp
Classification: Likely benign. Last evaluated: 2025-11-15. Review status: criteria provided, single submitter. Criteria: Invitae Variant Classification Sherloc (09022015). Collection method: clinical testing. Allele origin: germline.

Blueprint Genetics
Classification: Likely benign. Last evaluated: 2022-03-16. Review status: criteria provided, single submitter. Criteria: ACMG Guidelines, 2015. Collection method: clinical testing. Allele origin: germline.

GeneDx
Classification: Likely benign. Last evaluated: 2016-10-13. Review status: criteria provided, single submitter. Criteria: GeneDx Variant Classification (06012015). Collection method: clinical testing. Allele origin: germline. Affected: yes.
Comment: This variant is considered likely benign or benign based on one or more of the following criteria: it is a conservative change, it occurs at a poorly conserved position in the protein, it is predicted to be benign by multiple in silico algorithms, and/or has population frequency not consistent with disease.

PreventionGenetics, part of Exact Sciences
Classification: Likely benign for NDUFS1-related condition. Last evaluated: 2019-06-17. Review status: no assertion criteria provided. Collection method: clinical testing. Allele origin: germline. Not counted in ClinVar's aggregate classification.
Comment: This variant is classified as likely benign based on ACMG/AMP sequence variant interpretation guidelines (Richards et al. 2015 PMID: 25741868, with internal and published modifications).

Mayo Clinic Laboratories, Mayo Clinic
Classification: Likely benign. Last evaluated: 2017-09-18. Review status: no assertion criteria provided. Collection method: clinical testing. Allele origin: unknown. Not counted in ClinVar's aggregate classification.

NM_005006.7(NDUFS1):c.153+9A>G

Gene: NDUFS1 (NADH:ubiquinone oxidoreductase core subunit S1; minus strand). Cytogenetic location: 2q33.3.
Variant type: single nucleotide variant.
Coding change: c.153+9A>G on transcript NM_005006.7 (MANE Select); 9 bases into the intron after coding-DNA position 153, A replaced by G.
Molecular consequence: intron variant.
Genome position (GRCh38, 1-based): chr2:206,152,410, T>C on the plus strand (A>G on the coding strand, the complement: NDUFS1 is on the minus strand). VCF-style: chr2-206152410-T-C. GRCh37 (hg19) VCF-style: chr2-207017134-T-C.
Other names: c.5+1208A>G (NM_001199982.2); c.-19+1208A>G (NM_001199983.2); c.153+9A>G (NM_001199981.2); c.195+9A>G (NM_001199984.2).
Identifiers: ClinVar variation 389479 (VCV000389479.15), dbSNP rs200675161, ClinGen allele CA2070894.
Genomic context (GRCh38, chr2:206,152,410, plus strand): 5'-AAAGGAAATAAATTAGTATTTTTAAAAAAATCAGAACACACACACAAAATAGTTAGAATG[T>C]ATGCCTACTTGGAGGACGGTCGTTCCCGGTTCCACCATGACAGACTGACCATCAACAAAT-3'